The following is an entry in ClinVar:

ClinVar aggregate classification (germline): Uncertain significance (1 of 4 stars; one submission).

Submission:

GeneDx
Classification: Uncertain significance. Last evaluated: 2026-04-21. Review status: criteria provided, single submitter. Criteria: GeneDx Variant Classification Process June 2021. Collection method: clinical testing. Allele origin: germline.
Comment: Not observed at significant frequency in large population cohorts (gnomAD); In silico analysis suggests that this missense variant does not alter protein structure/function; Has not been previously published as pathogenic or benign to our knowledge

NM_020719.3(PRR12):c.4528C>T (p.Pro1510Ser)

Gene: PRR12 (proline rich 12; plus strand). Cytogenetic location: 19q13.33.
Variant type: single nucleotide variant.
Coding change: c.4528C>T on transcript NM_020719.3 (MANE Select); coding-DNA position 4528, C replaced by T.
Protein change: p.Pro1510Ser; replaces proline 1510 with serine.
Molecular consequence: missense variant.
Genome position (GRCh38, 1-based): chr19:49,601,673, C>T. VCF-style: chr19-49601673-C-T. GRCh37 (hg19) VCF-style: chr19-50104930-C-T.
Other names: short protein forms P1510S.
Identifiers: ClinVar variation 5037543 (VCV005037543.1).